The following is an entry in ClinVar:

NM_020859.4(SHROOM3):c.2868C>T (p.Ser956=)

Genes: SHROOM3 (shroom family member 3; plus strand), SHROOM3-AS1 (SHROOM3 antisense RNA 1; minus strand). Cytogenetic location: 4q21.1.
Variant type: single nucleotide variant.
Coding change: c.2868C>T on transcript NM_020859.4 (MANE Select); coding-DNA position 2868, C replaced by T.
Protein change: p.Ser956=; no amino-acid change (serine 956 retained).
Molecular consequence: synonymous variant.
Genome position (GRCh38, 1-based): chr4:76,741,041, C>T. VCF-style: chr4-76741041-C-T. GRCh37 (hg19) VCF-style: chr4-77662194-C-T.
Identifiers: ClinVar variation 3040550 (VCV003040550.3), dbSNP rs201527020, ClinGen allele CA2972653.

ClinVar aggregate classification (germline): Likely benign. Review status: criteria provided, single submitter (1 of 4 stars). 2 submissions from 2 submitters: Likely benign (1). 1 of the submissions does not count toward it. Last evaluated 2024-11-23.

Conditions:
SHROOM3-related disorder. Also called: SHROOM3-related condition.

Allele frequency attached by ClinVar (database versions not stated): 1000 Genomes Project 0.00060; 1000 Genomes Project 30x 0.00062; ESP Exome Variant Server 0.00108; gnomAD 0.00164; TOPMed 0.00170; gnomAD exomes 0.00213; ExAC 0.00315.
gnomAD v4.1: 3,095 of 1,491,784 alleles (0.21%); highest among the groups gnomAD compares: Non-Finnish European, 0.25%; 6 homozygotes.

Submissions (2):

Blueprint Genetics
Classification: Likely benign. Last evaluated: 2024-11-23. Review status: criteria provided, single submitter. Criteria: ACMG Guidelines, 2015. Collection method: clinical testing. Allele origin: germline.

PreventionGenetics, part of Exact Sciences
Classification: Likely benign for SHROOM3-related condition. Last evaluated: 2019-09-12. Review status: no assertion criteria provided. Collection method: clinical testing. Allele origin: germline. Not counted in ClinVar's aggregate classification.
Comment: This variant is classified as likely benign based on ACMG/AMP sequence variant interpretation guidelines (Richards et al. 2015 PMID: 25741868, with internal and published modifications).